The following is an entry in ClinVar:

NM_170707.4(LMNA):c.513+1G>A

Genes: LMNA (lamin A/C; plus strand), LOC126805877 (MED14-independent group 3 enhancer GRCh37_chr1:156099693-156100892; plus strand). Cytogenetic location: 1q22.
Variant type: single nucleotide variant.
Coding change: c.513+1G>A on transcript NM_170707.4 (MANE Select); the canonical splice donor site of the intron after coding-DNA position 513, G replaced by A.
Molecular consequence: splice donor variant. On other transcripts: intron variant (4).
Genome position (GRCh38, 1-based): chr1:156,130,774, G>A. VCF-style: chr1-156130774-G-A. GRCh37 (hg19) VCF-style: chr1-156100565-G-A.
Other names: c.513+1G>A (NM_001406983.1, NM_001282625.2, NM_001406984.1 and 6 more transcripts); c.-45-3629G>A (NM_001407002.1, NM_001406995.1, NM_001406990.1); c.-46+1G>A (NM_001406993.1, NM_001407003.1, NM_001406996.1 and 1 more transcripts); c.-152+1G>A (NM_001406999.1, NM_001407000.1, NM_001406994.1); c.270+1G>A (NM_001406986.1, NM_001406987.1, NM_001282624.2); c.-151-3629G>A (NM_001407001.1); c.177+1G>A (NM_001406989.1, NM_001257374.3, NM_001406998.1); c.216+1G>A (NM_001406988.1).
Identifiers: ClinVar variation 245721 (VCV000245721.13), dbSNP rs397517904, ClinGen allele CA10584120.

ClinVar aggregate classification (germline): Conflicting classifications of pathogenicity. Review status: criteria provided, conflicting classifications (1 of 4 stars). 3 submissions from 3 submitters: Pathogenic (2); Uncertain significance (1). Last evaluated 2025-08-21.

Conditions:
Charcot-Marie-Tooth disease type 2. Also called: Charcot-Marie-Tooth type 2. Identifiers: Orphanet 64746, MedGen C0270914, MONDO:0018993.
Cardiovascular phenotype. Identifiers: MedGen CN230736.

Submissions (3):

Labcorp Genetics (formerly Invitae), Labcorp
Classification: Pathogenic for Charcot-Marie-Tooth disease type 2. Last evaluated: 2025-08-21. Review status: criteria provided, single submitter. Criteria: Invitae Variant Classification Sherloc (09022015). Collection method: clinical testing. Allele origin: germline.
Comment: This sequence change affects a donor splice site in intron 2 of the LMNA gene. It is expected to disrupt RNA splicing. Variants that disrupt the donor or acceptor splice site typically lead to a loss of protein function (PMID: 16199547), and loss-of-function variants in LMNA are known to be pathogenic (PMID: 18585512, 18926329). This variant is not present in population databases (gnomAD no frequency). Disruption of this splice site has been observed in individual(s) with dilated cardiomyopathy and/or limb-girdle muscular dystrophy (PMID: 23360689, 24503780, 38259623). It has also been observed to segregate with disease in related individuals. ClinVar contains an entry for this variant (Variation ID: 245721). Studies have shown that disruption of this splice site alters LMNA gene expression (PMID: 38259623). Algorithms developed to predict the effect of sequence changes on RNA splicing suggest that this variant may disrupt the consensus splice site. For these reasons, this variant has been classified as Pathogenic.

Ambry Genetics
Classification: Uncertain significance for Cardiovascular phenotype. Last evaluated: 2023-10-10. Review status: criteria provided, single submitter. Criteria: Ambry Variant Classification Scheme 2023. Collection method: clinical testing. Allele origin: germline.
Comment: The c.513+1G>A intronic variant results from a G to A substitution one nucleotide after coding exon 2 of the LMNA gene. This variant has been detected in an individual reported to have features consistent with skeletal myopathy, cardiac dysrhythmias, and dilated cardiomyopathy (Chen CH et al. BMC Res Notes, 2013 Jan;6:32). Alterations that disrupt the canonical splice site are expected to cause aberrant splicing. In silico splice site analysis predicts that this alteration will weaken the native splice donor site and will result in the creation or strengthening of a novel splice donor site. The resulting transcript is predicted to be in-frame and is not expected to trigger nonsense-mediated mRNA decay; however, direct evidence is unavailable. The exact functional effect of the altered amino acid sequence is unknown. This nucleotide position is highly conserved in available vertebrate species. Since supporting evidence is limited at this time, the clinical significance of this alteration remains unclear.

GeneDx
Classification: Pathogenic. Last evaluated: 2023-07-21. Review status: criteria provided, single submitter. Criteria: GeneDx Variant Classification Process June 2021. Collection method: clinical testing. Allele origin: germline. Affected: yes.
Comment: Canonical splice site variant predicted to result in a null allele in a gene for which loss of function is a known mechanism of disease; Not observed at significant frequency in large population cohorts (gnomAD); Reported in an individual with a personal and family history of slowly progressive proximal muscle weakness in addition to early onset atrial fibrillation and conduction disease (Chen et al., 2013); This variant is associated with the following publications: (PMID: 24503780, 36984439, 23360689)

Literature cited by the submitters: PubMed 16199547 (cited by Labcorp Genetics (formerly Invitae), Labcorp); PubMed 18585512 (cited by Labcorp Genetics (formerly Invitae), Labcorp); PubMed 18926329 (cited by Labcorp Genetics (formerly Invitae), Labcorp); PubMed 23360689 (cited by Labcorp Genetics (formerly Invitae), Labcorp and Ambry Genetics); PubMed 24503780 (cited by Labcorp Genetics (formerly Invitae), Labcorp); PubMed 38259623 (cited by Labcorp Genetics (formerly Invitae), Labcorp).